The following is an entry in ClinVar:

NM_175914.5(HNF4A):c.*3120T>C

Gene: HNF4A (hepatocyte nuclear factor 4 alpha; plus strand). Cytogenetic location: 20q13.12.
Variant type: single nucleotide variant.
Coding change: c.*3120T>C on transcript NM_175914.5 (MANE Select); 3120 bases downstream of the stop codon, T replaced by C.
Molecular consequence: 3 prime UTR variant.
Genome position (GRCh38, 1-based): chr20:44,432,785, T>C. VCF-style: chr20-44432785-T-C. GRCh37 (hg19) VCF-style: chr20-43061425-T-C.
Other names: c.*3120T>C (NM_000457.6, NM_001030003.3, NM_001258355.2 and 3 more transcripts).
Identifiers: ClinVar variation 338496 (VCV000338496.6), dbSNP rs886056704, ClinGen allele CA10652547.

ClinVar aggregate classification (germline): Conflicting classifications of pathogenicity. Review status: criteria provided, conflicting classifications (1 of 4 stars). 3 submissions from 2 submitters: Uncertain significance (2); Likely benign (1). Last evaluated 2018-01-13.

Conditions:
Familial hyperinsulinism. Also called: Congenital hyperinsulinism. Identifiers: Orphanet 276525, MedGen C3888018, MONDO:0017182. Disease mechanism: loss of function.
Maturity-onset diabetes of the young type 1. Also called: MILD JUVENILE DIABETES MELLITUS; MODY, type I; MODY type 1; Diabetes mellitus MODY type 1; MODY HNF4A related; HNF4A-Related Maturity-Onset Diabetes of the Young Type 1. Identifiers: Orphanet 552, MedGen C1852093, MONDO:0007452, OMIM 125850. Disease mechanism: loss of function.
Maturity-onset diabetes of the young (MODY). Also called: Maturity onset diabetes mellitus in young. Identifiers: Orphanet 552, MedGen C0342276, MONDO:0018911, HP:0004904.

Allele frequency attached by ClinVar (database versions not stated): TOPMed 0.00002; gnomAD 0.00003 and 0.00001.

Submissions (3):

Illumina Laboratory Services, Illumina
Classification: Uncertain significance for Maturity-onset diabetes of the young type 1. Last evaluated: 2018-01-13. Review status: criteria provided, single submitter. Criteria: ICSL Variant Classification Criteria 13 December 2019. Collection method: clinical testing. Allele origin: germline.

Illumina Laboratory Services, Illumina
Classification: Uncertain significance for Familial hyperinsulinism. Last evaluated: 2018-01-13. Review status: criteria provided, single submitter. Criteria: ICSL Variant Classification Criteria 13 December 2019. Collection method: clinical testing. Allele origin: germline.

Clinical Genomics, Uppaluri K&H Personalized Medicine Clinic
Classification: Likely benign for Maturity-onset diabetes of the young. Review status: criteria provided, single submitter. Criteria: K & H Uppaluri Personalized Medicine Clinic Variant Classification & Assertion Criteria_Updated V.1. Collection method: research. Allele origin: unknown. Inheritance: Autosomal dominant inheritance.
Comment: Potent mutations in HNF4A are associated with poor insulin secretion in response to hyperglycemia. Associated with MODY1. Patients initially respond well to sulfonylureas but eventually become insulin dependent. However, more evidence is required to ascertain the role of this particular variant rs886056704 in MODY, yet.

Literature cited by the submitters: DOI 10.1159/000334532 (cited by Clinical Genomics, Uppaluri K&H Personalized Medicine Clinic); PubMed 18268044 (cited by Clinical Genomics, Uppaluri K&H Personalized Medicine Clinic); PubMed 17563455 (cited by Clinical Genomics, Uppaluri K&H Personalized Medicine Clinic); PubMed 32583173 (cited by Clinical Genomics, Uppaluri K&H Personalized Medicine Clinic); PubMed 35052457 (cited by Clinical Genomics, Uppaluri K&H Personalized Medicine Clinic); PubMed 35118593 (cited by Clinical Genomics, Uppaluri K&H Personalized Medicine Clinic).